The following is an entry in ClinVar:

NM_005422.4(TECTA):c.1177C>T (p.Pro393Ser)

Genes: TBCEL-TECTA (TBCEL-TECTA readthrough; plus strand), TECTA (tectorin alpha; plus strand). Cytogenetic location: 11q23.3.
Variant type: single nucleotide variant.
Coding change: c.1177C>T on transcript NM_005422.4 (MANE Select); coding-DNA position 1177, C replaced by T.
Protein change: p.Pro393Ser; replaces proline 393 with serine.
Molecular consequence: missense variant.
Genome position (GRCh38, 1-based): chr11:121,118,692, C>T. VCF-style: chr11-121118692-C-T. GRCh37 (hg19) VCF-style: chr11-120989401-C-T.
Other names: c.2134C>T, p.Pro712Ser (NM_001378761.1); short protein forms P393S, P712S.
Identifiers: ClinVar variation 1309448 (VCV001309448.6), dbSNP rs142926325, ClinGen allele CA6326688.

ClinVar aggregate classification (germline): Uncertain significance. Review status: criteria provided, multiple submitters, no conflicts (2 of 4 stars). 3 submissions from 3 submitters: Uncertain significance (3). Last evaluated 2025-08-17.

Conditions:
Inborn genetic diseases. Identifiers: MedGen C0950123, MeSH D030342.

Allele frequency attached by ClinVar (database versions not stated): gnomAD exomes 0.00002 and 0.00004; ExAC 0.00003; ESP Exome Variant Server 0.00015; gnomAD 0.00020 and 0.00023; TOPMed 0.00027.
gnomAD v4.1: 65 of 1,613,720 alleles (0.004%); highest among the groups gnomAD compares: African/African-American, 0.079%; no homozygotes.

Submissions (3):

GeneDx
Classification: Uncertain significance. Last evaluated: 2025-08-17. Review status: criteria provided, single submitter. Criteria: GeneDx Variant Classification Process June 2021. Collection method: clinical testing. Allele origin: germline. Affected: yes.
Comment: In silico analysis suggests that this missense variant does not alter protein structure/function; Has not been previously published as pathogenic or benign to our knowledge; This variant is associated with the following publications: (PMID: 21520338, 31554319, 9590290)

Ambry Genetics
Classification: Uncertain significance for Inborn genetic diseases. Last evaluated: 2024-07-17. Review status: criteria provided, single submitter. Criteria: Ambry Variant Classification Scheme 2023. Collection method: clinical testing. Allele origin: germline.

Revvity Omics, Revvity
Classification: Uncertain significance. Last evaluated: 2019-07-29. Review status: criteria provided, single submitter. Criteria: ACMG Guidelines, 2015. Collection method: clinical testing. Allele origin: germline.